The following is an entry in ClinVar:

NM_052845.4(MMAB):c.425A>C (p.Tyr142Ser)

Gene: MMAB (metabolism of cobalamin associated B; minus strand). Cytogenetic location: 12q24.11.
Variant type: single nucleotide variant.
Coding change: c.425A>C on transcript NM_052845.4 (MANE Select); coding-DNA position 425, A replaced by C.
Protein change: p.Tyr142Ser; replaces tyrosine 142 with serine.
Molecular consequence: missense variant. On other transcripts: non-coding transcript variant (1).
Genome position (GRCh38, 1-based): chr12:109,561,514, T>G on the plus strand (A>C on the coding strand, the complement: MMAB is on the minus strand). VCF-style: chr12-109561514-T-G. GRCh37 (hg19) VCF-style: chr12-109999319-T-G.
Other names: p.Tyr142Ser; c.425A>C (NM_052845.3); short protein forms Y142S.
Identifiers: ClinVar variation 2417550 (VCV002417550.5), dbSNP rs1047443761, ClinGen allele CA243448348.

ClinVar aggregate classification (germline): Uncertain significance. Review status: criteria provided, multiple submitters, no conflicts (2 of 4 stars). 3 submissions from 3 submitters: Uncertain significance (3). Last evaluated 2025-08-29.

Conditions:
Methylmalonic aciduria, cblB type (MACB). Also called: METHYLMALONIC ACIDURIA, VITAMIN B12-RESPONSIVE, DUE TO DEFECT IN SYNTHESIS OF ADENOSYLCOBALAMIN, cblB TYPE; Methylmalonic acidemia cblB type; Vitamin B12-responsive methylmalonic acidemia type cblB. Identifiers: Orphanet 28, Orphanet 79311, MedGen C1855102, MONDO:0009614, OMIM 251110.
Inborn genetic diseases. Identifiers: MedGen C0950123, MeSH D030342.

Allele frequency attached by ClinVar (database versions not stated): TOPMed 0.00003; gnomAD 0.00003.
gnomAD v4.1: 48 of 1,548,474 alleles (0.0031%); highest among the groups gnomAD compares: Non-Finnish European, 0.0041%; 1 homozygote.

Submissions (3):

Mayo Clinic Laboratories, Mayo Clinic
Classification: Uncertain significance. Last evaluated: 2025-08-29. Review status: criteria provided, single submitter. Criteria: ACMG Guidelines, 2015. Collection method: clinical testing. Allele origin: germline. Observed: 1 variant allele.
Comment: BP4

Ambry Genetics
Classification: Uncertain significance for Inborn genetic diseases. Last evaluated: 2025-04-10. Review status: criteria provided, single submitter. Criteria: Ambry Variant Classification Scheme 2023. Collection method: clinical testing. Allele origin: germline.

Labcorp Genetics (formerly Invitae), Labcorp
Classification: Uncertain significance for Methylmalonic aciduria, cblB type. Last evaluated: 2022-06-01. Review status: criteria provided, single submitter. Criteria: Invitae Variant Classification Sherloc (09022015). Collection method: clinical testing. Allele origin: germline.
Comment: This sequence change replaces tyrosine, which is neutral and polar, with serine, which is neutral and polar, at codon 142 of the MMAB protein (p.Tyr142Ser). This variant is present in population databases (no rsID available, gnomAD 0.007%). This variant has not been reported in the literature in individuals affected with MMAB-related conditions. Advanced modeling of protein sequence and biophysical properties (such as structural, functional, and spatial information, amino acid conservation, physicochemical variation, residue mobility, and thermodynamic stability) performed at Invitae indicates that this missense variant is not expected to disrupt MMAB protein function. In summary, the available evidence is currently insufficient to determine the role of this variant in disease. Therefore, it has been classified as a Variant of Uncertain Significance.